The following is an entry in ClinVar:

ClinVar aggregate classification (germline): Uncertain significance (1 of 4 stars; one submission).

Conditions:
Fanconi anemia complementation group J. Also called: BRIP1-Related Fanconi Anemia. Identifiers: Orphanet 84, MedGen C1836860, MONDO:0012187, OMIM 609054.
Familial cancer of breast. Also called: BREAST CANCER, FAMILIAL; Hereditary breast cancer; hereditary breast carcinoma. Identifiers: Orphanet 227535, MedGen C0346153, MONDO:0016419, OMIM 114480. Disease mechanism: loss of function.

Allele frequency attached by ClinVar (database versions not stated): ExAC 0.00001; TOPMed 0.00001.

Submission:

Labcorp Genetics (formerly Invitae), Labcorp
Classification: Uncertain significance for Familial cancer of breast; Fanconi anemia complementation group J. Last evaluated: 2022-12-11. Review status: criteria provided, single submitter. Criteria: Invitae Variant Classification Sherloc (09022015). Collection method: clinical testing. Allele origin: germline.
Comment: This variant has not been reported in the literature in individuals affected with BRIP1-related conditions. This variant is present in population databases (rs765205377, gnomAD 0.0009%). This sequence change replaces leucine, which is neutral and non-polar, with valine, which is neutral and non-polar, at codon 61 of the BRIP1 protein (p.Leu61Val). In summary, the available evidence is currently insufficient to determine the role of this variant in disease. Therefore, it has been classified as a Variant of Uncertain Significance. Advanced modeling of protein sequence and biophysical properties (such as structural, functional, and spatial information, amino acid conservation, physicochemical variation, residue mobility, and thermodynamic stability) performed at Invitae indicates that this missense variant is expected to disrupt BRIP1 protein function.

NM_032043.3(BRIP1):c.181T>G (p.Leu61Val)

Gene: BRIP1 (BRCA1 interacting DNA helicase 1; minus strand). Cytogenetic location: 17q23.2.
Variant type: single nucleotide variant.
Coding change: c.181T>G on transcript NM_032043.3 (MANE Select); coding-DNA position 181, T replaced by G.
Protein change: p.Leu61Val; replaces leucine 61 with valine.
Molecular consequence: missense variant.
Genome position (GRCh38, 1-based): chr17:61,859,820, A>C on the plus strand (T>G on the coding strand, the complement: BRIP1 is on the minus strand). VCF-style: chr17-61859820-A-C. GRCh37 (hg19) VCF-style: chr17-59937181-A-C.
Other names: short protein forms L61V.
Identifiers: ClinVar variation 2942212 (VCV002942212.3), dbSNP rs765205377, ClinGen allele CA8690982.